The following is an entry in ClinVar:

ClinVar aggregate classification (germline): Uncertain significance (1 of 4 stars; one submission).

Conditions:
Glanzmann thrombasthenia. Also called: Glanzmann's thrombasthenia; BLEEDING DISORDER, PLATELET-TYPE, 2; THROMBASTHENIA OF GLANZMANN AND NAEGELI; Thrombasthenia; PLATELET GLYCOPROTEIN IIb-IIIa DEFICIENCY. Identifiers: Orphanet 849, MedGen C0040015, MONDO:0100326.

Allele frequency attached by ClinVar (database versions not stated): ExAC 0.00001.
gnomAD v4.1: 2 of 1,614,004 alleles (0.00012%); highest among the groups gnomAD compares: Non-Finnish European, 0.00017%; no homozygotes.

Submission:

Labcorp Genetics (formerly Invitae), Labcorp
Classification: Uncertain significance for Glanzmann thrombasthenia. Last evaluated: 2024-10-29. Review status: criteria provided, single submitter. Criteria: Invitae Variant Classification Sherloc (09022015). Collection method: clinical testing. Allele origin: germline.
Comment: This sequence change replaces valine, which is neutral and non-polar, with phenylalanine, which is neutral and non-polar, at codon 1021 of the ITGA2B protein (p.Val1021Phe). This variant is present in population databases (rs755197006, gnomAD 0.0009%). This variant has not been reported in the literature in individuals affected with ITGA2B-related conditions. Invitae Evidence Modeling of protein sequence and biophysical properties (such as structural, functional, and spatial information, amino acid conservation, physicochemical variation, residue mobility, and thermodynamic stability) has been performed for this missense variant. However, the output from this modeling did not meet the statistical confidence thresholds required to predict the impact of this variant on ITGA2B protein function. Algorithms developed to predict the effect of sequence changes on RNA splicing suggest that this variant may disrupt the consensus splice site. In summary, the available evidence is currently insufficient to determine the role of this variant in disease. Therefore, it has been classified as a Variant of Uncertain Significance.

NM_000419.5(ITGA2B):c.3061G>T (p.Val1021Phe)

Gene: ITGA2B (integrin subunit alpha 2b; minus strand). Cytogenetic location: 17q21.31.
Variant type: single nucleotide variant.
Coding change: c.3061G>T on transcript NM_000419.5 (MANE Select); coding-DNA position 3061, G replaced by T.
Protein change: p.Val1021Phe; replaces valine 1021 with phenylalanine.
Molecular consequence: missense variant.
Genome position (GRCh38, 1-based): chr17:44,372,423, C>A on the plus strand (G>T on the coding strand, the complement: ITGA2B is on the minus strand). VCF-style: chr17-44372423-C-A. GRCh37 (hg19) VCF-style: chr17-42449791-C-A.
Other names: short protein forms V1021F.
Identifiers: ClinVar variation 2888673 (VCV002888673.3), dbSNP rs755197006, ClinGen allele CA8602462.